The following is an entry in ClinVar:

ClinVar aggregate classification (germline): Pathogenic. Review status: criteria provided, multiple submitters, no conflicts (2 of 4 stars). 11 submissions from 9 submitters: Pathogenic (5). 6 of the submissions do not count toward it. Last evaluated 2024-09-12.

Conditions:
CABP4-related disorder. Also called: CABP4-related condition.
Disorder of eye. Also called: Eye Disorders; Eye Diseases; Eye disorder. Identifiers: MedGen C0015397, MONDO:0005328.
Achromatopsia. Also called: Rod monochromatism. Identifiers: Orphanet 49382, MedGen C0152200, MONDO:0018852, HP:0011516.
Cone-rod dystrophy. Also called: Cone/cone-rod dystrophy; Cone-rod degeneration. Identifiers: Orphanet 1872, MedGen C4085590, MONDO:0015993, HP:0000548.
Cone-rod synaptic disorder, congenital nonprogressive. Also called: NIGHT BLINDNESS, CONGENITAL STATIONARY, INCOMPLETE, AUTOSOMAL RECESSIVE. Identifiers: Orphanet 215, MedGen C4041558, MONDO:0012490, OMIM 610427.

Allele frequency attached by ClinVar (database versions not stated): gnomAD 0.00004; gnomAD exomes 0.00005; TOPMed 0.00005; ESP Exome Variant Server 0.00008.

Submissions (11):

Blueprint Genetics
Classification: Pathogenic for CABP4-related disorders. Last evaluated: 2024-09-12. Review status: criteria provided, single submitter. Criteria: ACMG Guidelines, 2015. Collection method: clinical testing. Allele origin: germline. Affected: yes. Observed: 5 variant alleles.

Labcorp Genetics (formerly Invitae), Labcorp
Classification: Pathogenic. Last evaluated: 2024-05-23. Review status: criteria provided, single submitter. Criteria: Invitae Variant Classification Sherloc (09022015). Collection method: clinical testing. Allele origin: germline.
Comment: This sequence change creates a premature translational stop signal (p.Arg216*) in the CABP4 gene. It is expected to result in an absent or disrupted protein product. Loss-of-function variants in CABP4 are known to be pathogenic (PMID: 25307992). This variant is present in population databases (rs150115958, gnomAD 0.01%). This premature translational stop signal has been observed in individual(s) with retinal disease and/or autosomal recessive cone-rod synaptic disorder (PMID: 19074807, 29525873). In at least one individual the data is consistent with being in trans (on the opposite chromosome) from a pathogenic variant. It has also been observed to segregate with disease in related individuals. ClinVar contains an entry for this variant (Variation ID: 190959). For these reasons, this variant has been classified as Pathogenic.

Victorian Clinical Genetics Services, Murdoch Childrens Research Institute
Classification: Pathogenic for Cone-rod synaptic disorder, congenital nonprogressive. Last evaluated: 2020-10-15. Review status: criteria provided, single submitter. Criteria: ACMG Guidelines, 2015. Collection method: clinical testing. Allele origin: germline. Inheritance: Autosomal recessive inheritance.
Comment: Based on the classification scheme VCGS_Germline_v1.3.3, this variant is classified as Pathogenic. Following criteria are met: 0102 - Loss of function is a known mechanism of disease in this gene and is associated with congenital nonprogressive cone-rod synaptic disorder (MIM#610427). (I) 0106 - This gene is associated with autosomal recessive disease. (I) 0201 - Variant is predicted to cause nonsense-mediated decay (NMD) and loss of protein (premature termination codon is located at least 54 nucleotides upstream of the final exon-exon junction). Functional analysis of patient cell-derived RNA suggests NMD-escape, however these results are inconclusive (PMID: 19074807). (SP) 0251 - This variant is heterozygous. (I) 0304 - Variant is present in gnomAD v2 <0.01 for a recessive condition (10 heterozygotes, 0 homozygotes). (SP) 0702 - Other NMD-predicted variants comparable to the one identified in this case have strong previous evidence for pathogenicity. These variants have also been reported in patients with retinal conditions (ClinVar, PMID: 29706639). (SP) 0801 - This variant has strong previous evidence of pathogenicity in unrelated individuals. This variant has been reported as pathogenic, and in both homozygous and compound heterozygous patients with cone-rod disorders, retinal diseases and achromatopsia (ClinVar, PMID: 19074807, PMID: 29525873, PMID: 30718709). (I) Legend: (SP) - Supporting pathogenic, (I) - Information, (SB) - Supporting benign

Cambridge Genomics Laboratory, East Genomic Laboratory Hub, NHS Genomic Medicine Service
Classification: Pathogenic for Disorder of eye. Last evaluated: 2020-03-27. Review status: criteria provided, single submitter. Criteria: ACGS Best Practice Guidelines for Variant Classification in Rare Disease 2020. Collection method: clinical testing. Allele origin: germline. Affected: yes. Observed: 1 variant allele.

GeneDx
Classification: Pathogenic. Last evaluated: 2018-11-08. Review status: criteria provided, single submitter. Criteria: GeneDx Variant Classification (06012015). Collection method: clinical testing. Allele origin: germline. Affected: yes.
Comment: he R216X variant in the CABP4 gene has been reported previously in association with autosomal recessive cone-rod synaptic disorder when present in the homozygous state or when in trans with another disease causing variant (Littink et al., 2009; Smirnov et al., 2018). This variant is predicted to cause loss of normal protein function through protein truncation (Littink et al., 2009). Functional studies demonstrate a damaging effect with reduction in Ca(2+) channel availability and loss of Ca(2+) channel function (Shaltiel et al., 2012). The R216X variant is observed in 2/16,714 (0.012%) alleles from individuals of Finnish European background and in 11/188,328 (0.0058%) global alleles in large population cohorts (Lek et al., 2016). We interpret R216X as a pathogenic variant.

Department of Clinical Genetics, Copenhagen University Hospital, Rigshospitalet
Classification: Likely pathogenic for Cone-rod dystrophy. Last evaluated: 2018-04-01. Review status: no assertion criteria provided. Collection method: research. Allele origin: unknown. Affected: yes. Study: VeluxRD. Not counted in ClinVar's aggregate classification.

Department of Clinical Genetics, Copenhagen University Hospital, Rigshospitalet
Classification: Pathogenic for Achromatopsia. Last evaluated: 2018-04-01. Review status: no assertion criteria provided. Collection method: research. Allele origin: unknown. Affected: yes. Study: VeluxRD. Not counted in ClinVar's aggregate classification.

Joint Genome Diagnostic Labs from Nijmegen and Maastricht, Radboudumc and MUMC+
Classification: Pathogenic for Cone-rod synaptic disorder, congenital nonprogressive. Last evaluated: 2016-09-01. Review status: no assertion criteria provided. Collection method: clinical testing. Allele origin: unknown. Affected: yes. Observed: 1 variant allele. Not counted in ClinVar's aggregate classification.

OMIM
Classification: Pathogenic for CONE-ROD SYNAPTIC DISORDER, CONGENITAL NONPROGRESSIVE. Last evaluated: 2013-10-01. Review status: no assertion criteria provided. Collection method: literature only. Allele origin: germline. Not counted in ClinVar's aggregate classification.

Clinical Genetics DNA and cytogenetics Diagnostics Lab, Erasmus MC, Erasmus Medical Center
Classification: Pathogenic. Review status: no assertion criteria provided. Collection method: clinical testing. Allele origin: germline. Affected: yes. Study: VKGL Data-share Consensus. Not counted in ClinVar's aggregate classification.

Joint Genome Diagnostic Labs from Nijmegen and Maastricht, Radboudumc and MUMC+
Classification: Pathogenic. Review status: no assertion criteria provided. Collection method: clinical testing. Allele origin: germline. Affected: yes. Study: VKGL Data-share Consensus. Not counted in ClinVar's aggregate classification.

Literature cited by the submitters: PubMed 25307992 (cited by Labcorp Genetics (formerly Invitae), Labcorp); PubMed 19074807 (cited by 3 submitters); PubMed 29525873 (cited by Labcorp Genetics (formerly Invitae), Labcorp and Victorian Clinical Genetics Services, Murdoch Childrens Research Institute); PubMed 29706639 (cited by Victorian Clinical Genetics Services, Murdoch Childrens Research Institute); PubMed 30718709 (cited by Victorian Clinical Genetics Services, Murdoch Childrens Research Institute and Department of Clinical Genetics, Copenhagen University Hospital, Rigshospitalet); PubMed 23714322 (cited by OMIM).

NM_145200.5(CABP4):c.646C>T (p.Arg216Ter)

Gene: CABP4 (calcium binding protein 4; plus strand). Cytogenetic location: 11q13.2.
Variant type: single nucleotide variant.
Coding change: c.646C>T on transcript NM_145200.5 (MANE Select); coding-DNA position 646, C replaced by T.
Protein change: p.Arg216Ter; replaces arginine 216 with a stop codon.
Molecular consequence: nonsense. On other transcripts: non-coding transcript variant (1).
Genome position (GRCh38, 1-based): chr11:67,457,677, C>T. VCF-style: chr11-67457677-C-T. GRCh37 (hg19) VCF-style: chr11-67225148-C-T.
Other names: c.331C>T, p.Arg111Ter (NM_001300895.3, NM_001300896.3, NM_001379183.1); short protein forms R216*, R111*.
Identifiers: ClinVar variation 190959 (VCV000190959.17), dbSNP rs150115958, ClinGen allele CA199750.